The following is an entry in ClinVar:

ClinVar aggregate classification (germline): Uncertain significance. Review status: criteria provided, multiple submitters, no conflicts (2 of 4 stars). 4 submissions from 4 submitters: Uncertain significance (4). Last evaluated 2025-12-10.

Conditions:
Hereditary cancer-predisposing syndrome. Also called: Tumor predisposition; Hereditary neoplastic syndrome; Neoplastic Syndromes, Hereditary; Hereditary Cancer Syndrome. Identifiers: Orphanet 140162, MedGen C0027672, MeSH D009386, MONDO:0015356.
Familial cancer of breast. Also called: hereditary breast carcinoma; Hereditary breast cancer; BREAST CANCER, FAMILIAL. Identifiers: Orphanet 227535, MedGen C0346153, MONDO:0016419, OMIM 114480. Disease mechanism: loss of function.

Submissions (4):

Labcorp Genetics (formerly Invitae), Labcorp
Classification: Uncertain significance for Familial cancer of breast. Last evaluated: 2025-12-10. Review status: criteria provided, single submitter. Criteria: Invitae Variant Classification Sherloc (09022015). Collection method: clinical testing. Allele origin: germline.
Comment: This sequence change replaces serine, which is neutral and polar, with isoleucine, which is neutral and non-polar, at codon 339 of the BARD1 protein (p.Ser339Ile). This variant is not present in population databases (gnomAD no frequency). This variant has not been reported in the literature in individuals affected with BARD1-related conditions. ClinVar contains an entry for this variant (Variation ID: 818267). An algorithm developed to predict the effect of missense changes on protein structure and function (PolyPhen-2) suggests that this variant is likely to be disruptive. In summary, the available evidence is currently insufficient to determine the role of this variant in disease. Therefore, it has been classified as a Variant of Uncertain Significance.

Ambry Genetics
Classification: Uncertain significance for Hereditary cancer-predisposing syndrome. Last evaluated: 2025-03-12. Review status: criteria provided, single submitter. Criteria: Ambry Variant Classification Scheme 2023. Collection method: clinical testing. Allele origin: germline.
Comment: The p.S339I variant (also known as c.1016G>T), located in coding exon 4 of the BARD1 gene, results from a G to T substitution at nucleotide position 1016. The serine at codon 339 is replaced by isoleucine, an amino acid with dissimilar properties. This amino acid position is not well conserved in available vertebrate species. In addition, this alteration is predicted to be tolerated by in silico analysis. Since supporting evidence is limited at this time, the clinical significance of this alteration remains unclear.

GeneDx
Classification: Uncertain significance. Last evaluated: 2024-04-05. Review status: criteria provided, single submitter. Criteria: GeneDx Variant Classification Process June 2021. Collection method: clinical testing. Allele origin: germline. Affected: yes.
Comment: Not observed at significant frequency in large population cohorts (gnomAD); In silico analysis supports that this missense variant does not alter protein structure/function; Has not been previously published as pathogenic or benign to our knowledge

Color Diagnostics, LLC DBA Color Health
Classification: Uncertain significance for Hereditary cancer-predisposing syndrome. Last evaluated: 2019-12-10. Review status: criteria provided, single submitter. Criteria: ACMG Guidelines, 2015. Collection method: clinical testing. Allele origin: germline.
Comment: This missense variant replaces serine with isoleucine at codon 339 of the BARD1 protein. Computational prediction suggests that this variant may not impact protein structure and function (internally defined REVEL score threshold <= 0.5, PMID: 27666373). Splice site prediction tools suggest that this variant may not impact RNA splicing. To our knowledge, functional studies have not been performed for this variant. This variant has not been reported in individuals affected with hereditary cancer in the literature. This variant has not been identified in the general population by the Genome Aggregation Database (gnomAD). The available evidence is insufficient to determine the role of this variant in disease conclusively. Therefore, this variant is classified as a Variant of Uncertain Significance.

NM_000465.4(BARD1):c.1016G>T (p.Ser339Ile)

Gene: BARD1 (BRCA1 associated RING domain 1; minus strand). Cytogenetic location: 2q35.
Variant type: single nucleotide variant.
Coding change: c.1016G>T on transcript NM_000465.4 (MANE Select); coding-DNA position 1016, G replaced by T.
Protein change: p.Ser339Ile; replaces serine 339 with isoleucine.
Molecular consequence: missense variant. On other transcripts: non-coding transcript variant (2), intron variant (3).
Genome position (GRCh38, 1-based): chr2:214,780,858, C>A on the plus strand (G>T on the coding strand, the complement: BARD1 is on the minus strand). VCF-style: chr2-214780858-C-A. GRCh37 (hg19) VCF-style: chr2-215645582-C-A.
Other names: c.959G>T, p.Ser320Ile (NM_001282543.2); c.159-28303G>T (NM_001282548.2); c.215+16203G>T (NM_001282545.2); c.364+11439G>T (NM_001282549.2); short protein forms S339I, S320I.
Identifiers: ClinVar variation 818267 (VCV000818267.20), dbSNP rs201261729, ClinGen allele CA350454340.